The following is an entry in ClinVar:

ClinVar aggregate classification (germline): Uncertain significance (1 of 4 stars; one submission).

Conditions:
STAT3 gain of function. Identifiers: MedGen C4288261.
Hyper-IgE recurrent infection syndrome 1, autosomal dominant. Also called: JOB SYNDROME; HYPER-IgE SYNDROME 1, AUTOSOMAL DOMINANT, WITH RECURRENT INFECTIONS; STAT3 Hyper IgE Syndrome; Hyper-IgE recurrent infection syndrome 1; Job's Syndrome. Identifiers: Orphanet 2314, MedGen C2936739, MONDO:0007818, OMIM 147060.

Submission:

Labcorp Genetics (formerly Invitae), Labcorp
Classification: Uncertain significance for STAT3 gain of function; Hyper-IgE recurrent infection syndrome 1, autosomal dominant. Last evaluated: 2025-08-12. Review status: criteria provided, single submitter. Criteria: Invitae Variant Classification Sherloc (09022015). Collection method: clinical testing. Allele origin: germline.
Comment: This sequence change replaces serine, which is neutral and polar, with cysteine, which is neutral and slightly polar, at codon 292 of the STAT3 protein (p.Ser292Cys). This variant is not present in population databases (gnomAD no frequency). This variant has not been reported in the literature in individuals affected with STAT3-related conditions. ClinVar contains an entry for this variant (Variation ID: 660373). Invitae Evidence Modeling of protein sequence and biophysical properties (such as structural, functional, and spatial information, amino acid conservation, physicochemical variation, residue mobility, and thermodynamic stability) indicates that this missense variant is not expected to disrupt STAT3 protein function with a negative predictive value of 80%. In summary, the available evidence is currently insufficient to determine the role of this variant in disease. Therefore, it has been classified as a Variant of Uncertain Significance.

NM_139276.3(STAT3):c.875C>G (p.Ser292Cys)

Gene: STAT3 (signal transducer and activator of transcription 3; minus strand). Cytogenetic location: 17q21.2.
Variant type: single nucleotide variant.
Coding change: c.875C>G on transcript NM_139276.3 (MANE Select); coding-DNA position 875, C replaced by G.
Protein change: p.Ser292Cys; replaces serine 292 with cysteine.
Molecular consequence: missense variant.
Genome position (GRCh38, 1-based): chr17:42,333,972, G>C on the plus strand (C>G on the coding strand, the complement: STAT3 is on the minus strand). VCF-style: chr17-42333972-G-C. GRCh37 (hg19) VCF-style: chr17-40485990-G-C.
Other names: c.875C>G, p.Ser292Cys (NM_213662.2, NM_001369512.1, NM_001369513.1 and 15 more transcripts); c.797C>G, p.Ser266Cys (NM_001384985.1); c.779C>G, p.Ser260Cys (NM_001384989.1); short protein forms S292C, S260C, S266C.
Identifiers: ClinVar variation 660373 (VCV000660373.13), dbSNP rs1598415625, ClinGen allele CA399591227.
Genomic context (GRCh38, chr17:42,333,972, plus strand): 5'-AGCTCCACGATTCTCTCCTCCAGCATCGGCCGGTGCTGTACAATGGGGTCCCCTTTGTAG[G>C]AAACTTTTTGCTGCAACTCCTCCAGTTTCTTAATTTGTTGACGGGTCTGAAGTTGAGATT-3'
Protein context (NP_644805.1, residues 282-302): KKLEELQQKV[Ser292Cys]YKGDPIVQHR